The following is an entry in ClinVar:

ClinVar aggregate classification (germline): Pathogenic. Review status: criteria provided, multiple submitters, no conflicts (2 of 4 stars). 3 submissions from 3 submitters: Pathogenic (3). Last evaluated 2025-07-22.

Conditions:
Lynch syndrome 5 (LYNCH5). Also called: Colorectal cancer, hereditary nonpolyposis, type 5; Hereditary non-polyposis colorectal cancer, type 5. Identifiers: Orphanet 144, MedGen C1833477, MONDO:0013710, OMIM 614350. Disease mechanism: loss of function.
Hereditary nonpolyposis colorectal neoplasms. Identifiers: MedGen C0009405, MeSH D003123.
Hereditary cancer-predisposing syndrome. Also called: Hereditary Cancer Syndrome; Neoplastic Syndromes, Hereditary; Tumor predisposition; Hereditary neoplastic syndrome. Identifiers: Orphanet 140162, MedGen C0027672, MeSH D009386, MONDO:0015356.

Submissions (3):

Ambry Genetics
Classification: Pathogenic for Hereditary cancer-predisposing syndrome. Last evaluated: 2025-07-22. Review status: criteria provided, single submitter. Criteria: Ambry Variant Classification Scheme 2023. Collection method: clinical testing. Allele origin: germline.
Comment: The c.3252dupT pathogenic mutation, located in coding exon 5 of the MSH6 gene, results from a duplication of T at nucleotide position 3252, causing a translational frameshift with a predicted alternate stop codon (p.T1085Yfs*8). This alteration is expected to result in loss of function by premature protein truncation or nonsense-mediated mRNA decay. As such, this alteration is interpreted as a disease-causing mutation.

Labcorp Genetics (formerly Invitae), Labcorp
Classification: Pathogenic for Hereditary nonpolyposis colorectal neoplasms. Last evaluated: 2024-02-15. Review status: criteria provided, single submitter. Criteria: Invitae Variant Classification Sherloc (09022015). Collection method: clinical testing. Allele origin: germline.
Comment: This sequence change creates a premature translational stop signal (p.Thr1085Tyrfs*8) in the MSH6 gene. It is expected to result in an absent or disrupted protein product. Loss-of-function variants in MSH6 are known to be pathogenic (PMID: 18269114, 24362816). This variant is not present in population databases (gnomAD no frequency). This premature translational stop signal has been observed in individual(s) with clinical features of MSH6-related conditions (PMID: 10612827). ClinVar contains an entry for this variant (Variation ID: 479977). For these reasons, this variant has been classified as Pathogenic.

Myriad Genetics, Inc.
Classification: Pathogenic for Lynch syndrome 5. Last evaluated: 2023-08-22. Review status: criteria provided, single submitter. Criteria: Myriad Autosomal Dominant, Autosomal Recessive and X-Linked Classification Criteria (2023). Collection method: clinical testing. Allele origin: unknown.
Comment: This variant is considered pathogenic. This variant creates a frameshift predicted to result in premature protein truncation.

Literature cited by the submitters: PubMed 18269114 (cited by Labcorp Genetics (formerly Invitae), Labcorp); PubMed 24362816 (cited by Labcorp Genetics (formerly Invitae), Labcorp); PubMed 10612827 (cited by Labcorp Genetics (formerly Invitae), Labcorp).

NM_000179.3(MSH6):c.3252dup (p.Thr1085fs)

Gene: MSH6 (mutS homolog 6; plus strand). Cytogenetic location: 2p16.3.
Variant type: Duplication.
Coding change: c.3252dup on transcript NM_000179.3 (MANE Select); coding-DNA position 3252, one base duplicated (T; older notation c.3252dupT).
Protein change: p.Thr1085fs; shifts the reading frame from threonine 1085.
Molecular consequence: frameshift variant.
Genome position (GRCh38, 1-based): chr2:47,803,499, T duplicated. VCF-style (leftmost placement, unchanged base first): chr2-47803498-A-AT. GRCh37 (hg19) VCF-style: chr2-48030637-A-AT.
Other names: c.2862dup, p.Thr955fs (NM_001281492.2); c.2346dup, p.Thr783fs (NM_001281493.2, NM_001281494.2); c.3252dupT (NM_000179.2); short protein forms T955fs, T1085fs, T783fs.
Identifiers: ClinVar variation 479977 (VCV000479977.16), dbSNP rs1553331366, ClinGen allele CA658655688.